The following is an entry in ClinVar:

NM_017541.4(CRYGS):c.253G>A (p.Ala85Thr)

Gene: CRYGS (crystallin gamma S; minus strand). Cytogenetic location: 3q27.3.
Variant type: single nucleotide variant.
Coding change: c.253G>A on transcript NM_017541.4 (MANE Select); coding-DNA position 253, G replaced by A.
Protein change: p.Ala85Thr; replaces alanine 85 with threonine.
Molecular consequence: missense variant.
Genome position (GRCh38, 1-based): chr3:186,539,366, C>T on the plus strand (G>A on the coding strand, the complement: CRYGS is on the minus strand). VCF-style: chr3-186539366-C-T. GRCh37 (hg19) VCF-style: chr3-186257155-C-T.
Other names: short protein forms A85T.
Identifiers: ClinVar variation 461820 (VCV000461820.5), dbSNP rs1553846926, ClinGen allele CA355703868.

ClinVar aggregate classification (germline): Uncertain significance (1 of 4 stars; one submission).

Conditions:
Cataract 20 multiple types (CTRCT20). Also called: Membranous cataract. Identifiers: Orphanet 91492, MedGen C0524524, MONDO:0007284, OMIM 116100, HP:0010922.

Allele frequency attached by ClinVar (database versions not stated): gnomAD exomes below 0.00001.
gnomAD v4.1: 1 of 1,612,182 alleles (0.000062%); highest among the groups gnomAD compares: Non-Finnish European, 0.000085%; no homozygotes.

Submission:

Labcorp Genetics (formerly Invitae), Labcorp
Classification: Uncertain significance for Cataract 20 multiple types. Last evaluated: 2016-09-29. Review status: criteria provided, single submitter. Criteria: Invitae Variant Classification Sherloc (09022015). Collection method: clinical testing. Allele origin: germline.
Comment: Algorithms developed to predict the effect of missense changes on protein structure and function (SIFT, PolyPhen-2, Align-GVGD) all suggest that this variant is likely to be tolerated, but these predictions have not been confirmed by published functional studies. In summary, this variant is a novel missense change that is not predicted to affect protein function. There is no indication that it causes disease, but the available evidence is currently insufficient to prove that conclusively. Therefore, it has been classified as a Variant of Uncertain Significance. This variant is not present in population databases (ExAC no frequency) and has not been reported in the literature in individuals with a CRYGS-related disease. This sequence change replaces alanine with threonine at codon 85 of the CRYGS protein (p.Ala85Thr). The alanine residue is highly conserved and there is a small physicochemical difference between alanine and threonine.